The following is an entry in ClinVar:

ClinVar aggregate classification (germline): Likely benign (1 of 4 stars; one submission).

Submission:

CeGaT Center for Human Genetics Tuebingen
Classification: Likely benign. Last evaluated: 2023-11-01. Review status: criteria provided, single submitter. Criteria: CeGaT Center For Human Genetics Tuebingen Variant Classification Criteria Version 2. Collection method: clinical testing. Allele origin: germline. Affected: yes. Observed: 1 variant allele.
Comment: MYT1L: PM2:Supporting, BP4, BP7

NM_001303052.2(MYT1L):c.1875C>T (p.Val625=)

Gene: MYT1L (myelin transcription factor 1 like; minus strand). Cytogenetic location: 2p25.3.
Variant type: single nucleotide variant.
Coding change: c.1875C>T on transcript NM_001303052.2 (MANE Select); coding-DNA position 1875, C replaced by T.
Protein change: p.Val625=; no amino-acid change (valine 625 retained).
Molecular consequence: synonymous variant.
Genome position (GRCh38, 1-based): chr2:1,903,237, G>A on the plus strand (C>T on the coding strand, the complement: MYT1L is on the minus strand). VCF-style: chr2-1903237-G-A. GRCh37 (hg19) VCF-style: chr2-1907009-G-A.
Other names: c.1875C>T, p.Val625= (NM_001329844.2, NM_001329845.1, NM_001329851.3); c.1869C>T, p.Val623= (NM_001329846.3, NM_001329847.2, NM_001329848.1 and 3 more transcripts).
Identifiers: ClinVar variation 2672795 (VCV002672795.23), dbSNP rs2550815646, ClinGen allele CA424516433.